The following is an entry in ClinVar:

NM_007294.4(BRCA1):c.3372C>A (p.Phe1124Leu)

Genes: BRCA1 (BRCA1 DNA repair associated; minus strand), LOC126862571 (BRD4-independent group 4 enhancer GRCh37_chr17:41243136-41244335; plus strand). Cytogenetic location: 17q21.31.
Variant type: single nucleotide variant.
Coding change: c.3372C>A on transcript NM_007294.4 (MANE Select); coding-DNA position 3372, C replaced by A.
Protein change: p.Phe1124Leu; replaces phenylalanine 1124 with leucine.
Molecular consequence: missense variant. On other transcripts: intron variant (137).
Genome position (GRCh38, 1-based): chr17:43,092,159, G>T on the plus strand (C>A on the coding strand, the complement: BRCA1 is on the minus strand). VCF-style: chr17-43092159-G-T. GRCh37 (hg19) VCF-style: chr17-41244176-G-T.
Other names: c.3159C>A, p.Phe1053Leu (NM_001407571.1, NM_001407853.1, NM_001407894.1 and 9 more transcripts); c.3372C>A, p.Phe1124Leu (NM_001407581.1, NM_001407582.1, NM_001407583.1 and 30 more transcripts); c.3369C>A, p.Phe1123Leu (NM_001407587.1, NM_001407590.1, NM_001407591.1 and 22 more transcripts); c.3363C>A, p.Phe1121Leu (NM_001407646.1, NM_001407647.1); c.3249C>A, p.Phe1083Leu (NM_001407648.1, NM_001407664.1, NM_001407665.1 and 19 more transcripts); c.3246C>A, p.Phe1082Leu (NM_001407649.1, NM_001407670.1, NM_001407671.1 and 11 more transcripts); c.3294C>A, p.Phe1098Leu (NM_001407653.1, NM_001407654.1, NM_001407655.1 and 4 more transcripts); c.3291C>A, p.Phe1097Leu (NM_001407659.1, NM_001407660.1, NM_001407661.1 and 1 more transcripts); and 41 more; short protein forms F1077L, F1124L, F1012L, F1036L, F1057L, F1083L, F956L, F997L.
Identifiers: ClinVar variation 1034479 (VCV001034479.10), dbSNP rs786203431, ClinGen allele CA10595234.

ClinVar aggregate classification (germline): Conflicting classifications of pathogenicity. Review status: criteria provided, conflicting classifications (1 of 4 stars). 2 submissions from 2 submitters: Uncertain significance (1); Likely benign (1). Last evaluated 2024-01-25.

Conditions:
Hereditary cancer-predisposing syndrome. Also called: Hereditary neoplastic syndrome; Neoplastic Syndromes, Hereditary; Tumor predisposition; Hereditary Cancer Syndrome. Identifiers: Orphanet 140162, MedGen C0027672, MeSH D009386, MONDO:0015356.
Hereditary breast ovarian cancer syndrome. Also called: Hereditary breast and ovarian cancer syndrome; Hereditary breast and/or ovarian cancer syndrome; Hereditary breast and ovarian cancer; Hereditary breast and ovarian cancer syndrome (HBOC); Breast and ovarian cancer; BRCA1- and BRCA2-Associated Hereditary Breast and Ovarian Cancer. Identifiers: Orphanet 145, MedGen C0677776, MeSH D061325, MONDO:0003582. Disease mechanism: loss of function.

Allele frequency attached by ClinVar (database versions not stated): gnomAD exomes below 0.00001.
gnomAD v4.1: 1 of 1,613,436 alleles (0.000062%); highest among the groups gnomAD compares: Non-Finnish European, 0.000085%; no homozygotes.

Submissions (2):

Labcorp Genetics (formerly Invitae), Labcorp
Classification: Uncertain significance for Hereditary breast ovarian cancer syndrome. Last evaluated: 2024-01-25. Review status: criteria provided, single submitter. Criteria: Invitae Variant Classification Sherloc (09022015). Collection method: clinical testing. Allele origin: germline.
Comment: This sequence change replaces phenylalanine, which is neutral and non-polar, with leucine, which is neutral and non-polar, at codon 1124 of the BRCA1 protein (p.Phe1124Leu). This variant is not present in population databases (gnomAD no frequency). This missense change has been observed in individual(s) with ovarian cancer (PMID: 18559594). ClinVar contains an entry for this variant (Variation ID: 1034479). Advanced modeling of protein sequence and biophysical properties (such as structural, functional, and spatial information, amino acid conservation, physicochemical variation, residue mobility, and thermodynamic stability) performed at Invitae indicates that this missense variant is not expected to disrupt BRCA1 protein function with a negative predictive value of 95%. In summary, the available evidence is currently insufficient to determine the role of this variant in disease. Therefore, it has been classified as a Variant of Uncertain Significance.

University of Washington Department of Laboratory Medicine, University of Washington
Classification: Likely benign for Hereditary cancer-predisposing syndrome. Last evaluated: 2023-03-23. Review status: criteria provided, single submitter. Criteria: Dines et al. (Genet Med. 2020). Collection method: curation. Allele origin: germline.
Comment: Missense variant in a coldspot region where missense variants are very unlikely to be pathogenic (PMID:31911673).

BRCA1 coldspot (exon 11 using historical exon numbering). Reclassification based on statistical prior probability

Literature cited by the submitters: PubMed 18559594 (cited by Labcorp Genetics (formerly Invitae), Labcorp).